The following is an entry in ClinVar:

NC_000019.10:g.39480575T>C

Gene: TIMM50 (translocase of inner mitochondrial membrane 50; plus strand). Cytogenetic location: 19q13.2.
Variant type: single nucleotide variant.
Genome position: GRCh38 VCF-style: chr19-39480575-T-C. GRCh37 (hg19) VCF-style: chr19-39971215-T-C.
Identifiers: ClinVar variation 2122030 (VCV002122030.3), dbSNP rs1374355532, ClinGen allele CA405784313.

ClinVar aggregate classification (germline): Uncertain significance (1 of 4 stars; one submission).

Allele frequency attached by ClinVar (database versions not stated): gnomAD exomes 0.00001.

Submission:

Labcorp Genetics (formerly Invitae), Labcorp
Classification: Uncertain significance. Last evaluated: 2025-09-13. Review status: criteria provided, single submitter. Criteria: Invitae Variant Classification Sherloc (09022015). Collection method: clinical testing. Allele origin: germline.
Comment: This sequence change replaces cysteine, which is neutral and slightly polar, with arginine, which is basic and polar, at codon 11 of the TIMM50 protein (p.Cys11Arg). This variant is present in population databases (no rsID available, gnomAD 0.007%). This variant has not been reported in the literature in individuals affected with TIMM50-related conditions. ClinVar contains an entry for this variant (Variation ID: 2122030). An algorithm developed to predict the effect of missense changes on protein structure and function (PolyPhen-2) suggests that this variant is likely to be disruptive. In summary, the available evidence is currently insufficient to determine the role of this variant in disease. Therefore, it has been classified as a Variant of Uncertain Significance.